The following is an entry in ClinVar:

ClinVar aggregate classification (germline): Pathogenic (1 of 4 stars; one submission).

Conditions:
Duchenne muscular dystrophy (DMD). Also called: MUSCULAR DYSTROPHY, PSEUDOHYPERTROPHIC PROGRESSIVE, DUCHENNE TYPE; Duchenne Muscular Dystrophy (DMD). Identifiers: Orphanet 98896, MedGen C0013264, MONDO:0010679, OMIM 310200.

Submission:

Labcorp Genetics (formerly Invitae), Labcorp
Classification: Pathogenic for Duchenne muscular dystrophy. Last evaluated: 2023-01-17. Review status: criteria provided, single submitter. Criteria: Invitae Variant Classification Sherloc (09022015). Collection method: clinical testing. Allele origin: unknown.
Comment: For these reasons, this variant has been classified as Pathogenic. This variant disrupts a region of the DMD protein in which other variant(s) (Deletion (Exons 43-44)) have been determined to be pathogenic (PMID: 1864612, 17259292). This suggests that this is a clinically significant region of the protein, and that variants that disrupt it are likely to be disease-causing. This variant has not been reported in the literature in individuals affected with DMD-related conditions. This variant is a gross deletion of the genomic region encompassing exon(s) 23-44 of the DMD gene. This variant would be expected to be in-frame, preserving the integrity of the reading frame.

Literature cited by the submitters: PubMed 1864612; PubMed 17259292.

NC_000023.10:g.(?_32235013)_(32486847_?)del

Gene: DMD (dystrophin; minus strand). Cytogenetic location: Xp21.1.
Variant type: Deletion.
Identifiers: ClinVar variation 3246673 (VCV003246673.1).